The following is an entry in ClinVar:

ClinVar aggregate classification (germline): Uncertain significance (1 of 4 stars; one submission).

Conditions:
MHC class I deficiency. Identifiers: Orphanet 34592, MedGen C6024714, MONDO:0011476.

Allele frequency attached by ClinVar (database versions not stated): gnomAD exomes below 0.00001; TOPMed below 0.00001.

Submission:

Labcorp Genetics (formerly Invitae), Labcorp
Classification: Uncertain significance for MHC class I deficiency 1. Last evaluated: 2022-06-13. Review status: criteria provided, single submitter. Criteria: Invitae Variant Classification Sherloc (09022015). Collection method: clinical testing. Allele origin: germline.
Comment: This sequence change replaces methionine, which is neutral and non-polar, with valine, which is neutral and non-polar, at codon 447 of the TAP2 protein (p.Met447Val). This variant is not present in population databases (gnomAD no frequency). This variant has not been reported in the literature in individuals affected with TAP2-related conditions. Algorithms developed to predict the effect of missense changes on protein structure and function are either unavailable or do not agree on the potential impact of this missense change (SIFT: "Deleterious"; PolyPhen-2: "Not Available"; Align-GVGD: "Class C0"). In summary, the available evidence is currently insufficient to determine the role of this variant in disease. Therefore, it has been classified as a Variant of Uncertain Significance.

NM_001290043.2(TAP2):c.1339A>G (p.Met447Val)

Gene: TAP2 (transporter 2, ATP binding cassette subfamily B member; minus strand). Cytogenetic location: 6p21.32.
Variant type: single nucleotide variant.
Coding change: c.1339A>G on transcript NM_001290043.2 (MANE Select); coding-DNA position 1339, A replaced by G.
Protein change: p.Met447Val; replaces methionine 447 with valine.
Molecular consequence: missense variant.
Genome position (GRCh38, 1-based): chr6:32,830,740, T>C on the plus strand (A>G on the coding strand, the complement: TAP2 is on the minus strand). VCF-style: chr6-32830740-T-C. GRCh37 (hg19) VCF-style: chr6-32798517-T-C.
Other names: c.1339A>G, p.Met447Val (NM_000544.3, NM_018833.3); short protein forms M447V.
Identifiers: ClinVar variation 1376493 (VCV001376493.3), dbSNP rs1216264090, ClinGen allele CA363581173.